The following is an entry in ClinVar:

ClinVar aggregate classification (germline): Uncertain significance (1 of 4 stars; one submission).

Conditions:
Joubert syndrome 8 (JBTS8). Identifiers: Orphanet 475, MedGen C2676771, MONDO:0012855, OMIM 612291.

Allele frequency attached by ClinVar (database versions not stated): gnomAD exomes below 0.00001.
gnomAD v4.1: 3 of 1,613,776 alleles (0.00019%); highest among the groups gnomAD compares: East Asian, 0.0022%; no homozygotes.

Submission:

Labcorp Genetics (formerly Invitae), Labcorp
Classification: Uncertain significance for Joubert syndrome 8. Last evaluated: 2022-04-28. Review status: criteria provided, single submitter. Criteria: Invitae Variant Classification Sherloc (09022015). Collection method: clinical testing. Allele origin: germline.
Comment: This sequence change replaces isoleucine, which is neutral and non-polar, with valine, which is neutral and non-polar, at codon 93 of the ARL13B protein (p.Ile93Val). This variant is not present in population databases (gnomAD no frequency). This variant has not been reported in the literature in individuals affected with ARL13B-related conditions. Algorithms developed to predict the effect of missense changes on protein structure and function (SIFT, PolyPhen-2, Align-GVGD) all suggest that this variant is likely to be tolerated. In summary, the available evidence is currently insufficient to determine the role of this variant in disease. Therefore, it has been classified as a Variant of Uncertain Significance.

NM_001174150.2(ARL13B):c.277A>G (p.Ile93Val)

Gene: ARL13B (ARF like GTPase 13B; plus strand). Cytogenetic location: 3q11.2.
Variant type: single nucleotide variant.
Coding change: c.277A>G on transcript NM_001174150.2 (MANE Select); coding-DNA position 277, A replaced by G.
Protein change: p.Ile93Val; replaces isoleucine 93 with valine.
Molecular consequence: missense variant. On other transcripts: 5 prime UTR variant (1), intron variant (1).
Genome position (GRCh38, 1-based): chr3:94,003,805, A>G. VCF-style: chr3-94003805-A-G. GRCh37 (hg19) VCF-style: chr3-93722649-A-G.
Other names: c.-33A>G (NM_001174151.2); c.232A>G, p.Ile78Val (NM_001321328.2); c.277A>G, p.Ile93Val (NM_001410782.1, NM_182896.3); c.59+23323A>G (NM_144996.4); short protein forms I93V, I78V.
Identifiers: ClinVar variation 2131152 (VCV002131152.4), dbSNP rs2471955552, ClinGen allele CA353675621.